The following is an entry in ClinVar:

ClinVar aggregate classification (germline): Uncertain significance. Review status: criteria provided, multiple submitters, no conflicts (2 of 4 stars). 2 submissions from 2 submitters: Uncertain significance (2). Last evaluated 2026-08-26.

Conditions:
Familial cancer of breast. Also called: BREAST CANCER, FAMILIAL; hereditary breast carcinoma; Hereditary breast cancer. Identifiers: Orphanet 227535, MedGen C0346153, MONDO:0016419, OMIM 114480. Disease mechanism: loss of function.
Hereditary cancer-predisposing syndrome. Also called: Hereditary neoplastic syndrome; Hereditary Cancer Syndrome; Neoplastic Syndromes, Hereditary; Tumor predisposition. Identifiers: Orphanet 140162, MedGen C0027672, MeSH D009386, MONDO:0015356.

Submissions (2):

Ambry Genetics
Classification: Uncertain significance for Hereditary cancer-predisposing syndrome. Last evaluated: 2026-08-26. Review status: criteria provided, single submitter. Criteria: Ambry Variant Classification Scheme 2023. Collection method: clinical testing. Allele origin: germline.
Comment: The c.1315-2A>T intronic variant results from an A to T substitution two nucleotides upstream from coding exon 5 in the BARD1 gene. This nucleotide position is highly conserved in available vertebrate species. Alterations that disrupt the canonical splice site are expected to result in aberrant splicing. In silico splice site analysis predicts that this alteration will weaken the native splice acceptor site. The resulting transcript is predicted to be in-frame and is not expected to trigger nonsense-mediated mRNAdecay. RNA studies have demonstrated that this variant results in a transcript predicted to lead to a protein with an in-frame deletion; however, the exact functional impact of the deleted amino acid(s) is unknown at this time (Ambry internal data). Based on the available evidence, the clinical significance of this alteration remains unclear.

Labcorp Genetics (formerly Invitae), Labcorp
Classification: Uncertain significance for Familial cancer of breast. Last evaluated: 2023-12-29. Review status: criteria provided, single submitter. Criteria: Invitae Variant Classification Sherloc (09022015). Collection method: clinical testing. Allele origin: germline.
Comment: This sequence change affects an acceptor splice site in intron 4 of the BARD1 gene. RNA analysis indicates that disruption of this splice site induces altered splicing and likely results in a shortened protein product. This variant is not present in population databases (gnomAD no frequency). This variant has not been reported in the literature in individuals affected with BARD1-related conditions. Studies have shown that disruption of this splice site results in skipping of exon 5, but is expected to preserve the integrity of the reading-frame (PMID: 21344236, 28030839; Invitae). In summary, the available evidence is currently insufficient to determine the role of this variant in disease. Therefore, it has been classified as a Variant of Uncertain Significance.

Literature cited by the submitters: PubMed 21344236 (cited by Labcorp Genetics (formerly Invitae), Labcorp); PubMed 28030839 (cited by Labcorp Genetics (formerly Invitae), Labcorp).

NM_000465.4(BARD1):c.1315-2A>T

Gene: BARD1 (BRCA1 associated RING domain 1; minus strand). Cytogenetic location: 2q35.
Variant type: single nucleotide variant.
Coding change: c.1315-2A>T on transcript NM_000465.4 (MANE Select); the canonical splice acceptor site of the intron before coding-DNA position 1315, A replaced by T.
Molecular consequence: splice acceptor variant. On other transcripts: intron variant (3).
Genome position (GRCh38, 1-based): chr2:214,769,314, T>A on the plus strand (A>T on the coding strand, the complement: BARD1 is on the minus strand). VCF-style: chr2-214769314-T-A. GRCh37 (hg19) VCF-style: chr2-215634038-T-A.
Other names: c.159-16759A>T (NM_001282548.2); c.1258-2A>T (NM_001282543.2); c.216-16759A>T (NM_001282545.2); c.364+22983A>T (NM_001282549.2); c.1315-2A>T (NM_000465.2).
Identifiers: ClinVar variation 2706247 (VCV002706247.5), dbSNP rs1316885634, ClinGen allele CA350450596.
Genomic context (GRCh38, chr2:214,769,314, plus strand): 5'-TCTTTAACATTTGGATCACTTCCATTTTGTAAAAGGTATTCAACAGAAGGTATGTCGCCC[T>A]AGAAAAATGAACAAAACGGAAATTAAAAAGCATTAAGGAAAGAAAGGAAAATATTGAGCT-3'